The following is an entry in ClinVar:

ClinVar aggregate classification (germline): Uncertain significance (1 of 4 stars; one submission).

Conditions:
Hereditary cancer-predisposing syndrome. Also called: Neoplastic Syndromes, Hereditary; Tumor predisposition; Hereditary Cancer Syndrome; Hereditary neoplastic syndrome. Identifiers: Orphanet 140162, MedGen C0027672, MeSH D009386, MONDO:0015356.

Submission:

Ambry Genetics
Classification: Uncertain significance for Hereditary cancer-predisposing syndrome. Last evaluated: 2026-04-10. Review status: criteria provided, single submitter. Criteria: Ambry Variant Classification Scheme 2023. Collection method: clinical testing. Allele origin: germline.
Comment: The p.M1644L variant (also known as c.4930A>C), located in coding exon 32 of the ATM gene, results from an A to C substitution at nucleotide position 4930. The methionine at codon 1644 is replaced by leucine, an amino acid with highly similar properties. This amino acid position is conserved. In addition, this alteration is predicted to be tolerated by in silico analysis. Based on the available evidence, the clinical significance of this variant remains unclear.

NM_000051.4(ATM):c.4930A>C (p.Met1644Leu)

Gene: ATM (ATM serine/threonine kinase; plus strand). Cytogenetic location: 11q22.3.
Variant type: single nucleotide variant.
Coding change: c.4930A>C on transcript NM_000051.4 (MANE Select); coding-DNA position 4930, A replaced by C.
Protein change: p.Met1644Leu; replaces methionine 1644 with leucine.
Molecular consequence: missense variant.
Genome position (GRCh38, 1-based): chr11:108,297,307, A>C. VCF-style: chr11-108297307-A-C. GRCh37 (hg19) VCF-style: chr11-108168034-A-C.
Other names: c.4930A>C, p.Met1644Leu (NM_001351834.2); short protein forms M1644L.
Identifiers: ClinVar variation 4866196 (VCV004866196.1).
Genomic context (GRCh38, chr11:108,297,307, plus strand): 5'-TCATGCTAGTTTAAACTAATTTTTAAAAAATTATTTCTAGATAATCCGCAAGATGGGATT[A>C]TGGTGAAACTAGTTGTCAATTTGTTGCAGTTATCCAAGATGGCAATAAACCACACTGGTG-3'
Protein context (NP_000042.3, residues 1634-1654): ASQDNPQDGI[Met1644Leu]VKLVVNLLQL